The following is an entry in ClinVar:

NM_004990.4(MARS1):c.2204+3A>C

Gene: MARS1 (methionyl-tRNA synthetase 1; plus strand). Cytogenetic location: 12q13.3.
Variant type: single nucleotide variant.
Coding change: c.2204+3A>C on transcript NM_004990.4 (MANE Select); 3 bases into the intron after coding-DNA position 2204, A replaced by C.
Molecular consequence: intron variant.
Genome position (GRCh38, 1-based): chr12:57,515,061, A>C. VCF-style: chr12-57515061-A-C. GRCh37 (hg19) VCF-style: chr12-57908844-A-C.
Identifiers: ClinVar variation 1681778 (VCV001681778.6), dbSNP rs752787448, ClinGen allele CA6650729.

ClinVar aggregate classification (germline): Uncertain significance (1 of 4 stars; one submission).

Conditions:
Severe early-onset pulmonary alveolar proteinosis due to MARS deficiency. Also called: PULMONARY ALVEOLAR PROTEINOSIS, REUNION ISLAND; Interstitial lung and liver disease. Identifiers: Orphanet 440427, MedGen C4225400, MONDO:0014206, OMIM 615486.
Charcot-Marie-Tooth disease axonal type 2U. Also called: CHARCOT-MARIE-TOOTH NEUROPATHY, TYPE 2U; CHARCOT-MARIE-TOOTH DISEASE, AXONAL, AUTOSOMAL DOMINANT, TYPE 2U. Identifiers: Orphanet 397735, MedGen C4084821, MONDO:0014566, OMIM 616280.

Allele frequency attached by ClinVar (database versions not stated): gnomAD exomes below 0.00001; ExAC 0.00001.
gnomAD v4.1: 3 of 1,614,188 alleles (0.00019%); highest among the groups gnomAD compares: Non-Finnish European, 0.00025%; no homozygotes.

Submission:

Labcorp Genetics (formerly Invitae), Labcorp
Classification: Uncertain significance for Charcot-Marie-Tooth disease axonal type 2U; Severe early-onset pulmonary alveolar proteinosis due to MARS deficiency. Last evaluated: 2021-05-04. Review status: criteria provided, single submitter. Criteria: Invitae Variant Classification Sherloc (09022015). Collection method: clinical testing. Allele origin: germline.
Comment: This sequence change falls in intron 17 of the MARS gene. It does not directly change the encoded amino acid sequence of the MARS protein. It affects a nucleotide within the consensus splice site of the intron. This variant is present in population databases (rs752787448, ExAC 0.001%). This variant has not been reported in the literature in individuals with MARS-related conditions. Nucleotide substitutions within the consensus splice site are a relatively common cause of aberrant splicing (PMID: 17576681, 9536098). Algorithms developed to predict the effect of sequence changes on RNA splicing suggest that this variant may disrupt the consensus splice site, but this prediction has not been confirmed by published transcriptional studies. In summary, the available evidence is currently insufficient to determine the role of this variant in disease. Therefore, it has been classified as a Variant of Uncertain Significance.

Literature cited by the submitters: PubMed 17576681; PubMed 9536098.